The following is an entry in ClinVar:

ClinVar aggregate classification (germline): Uncertain significance (1 of 4 stars; one submission).

Conditions:
Cardiovascular phenotype. Identifiers: MedGen CN230736.

Allele frequency attached by ClinVar (database versions not stated): gnomAD exomes 0.00001.
gnomAD v4.1: 4 of 1,613,590 alleles (0.00025%); highest among the groups gnomAD compares: Middle Eastern, 0.017%; no homozygotes.

Submission:

Ambry Genetics
Classification: Uncertain significance for Cardiovascular phenotype. Last evaluated: 2025-05-03. Review status: criteria provided, single submitter. Criteria: Ambry Variant Classification Scheme 2023. Collection method: clinical testing. Allele origin: germline.
Comment: The p.T2854I variant (also known as c.8561C>T), located in coding exon 24 of the TNXB gene, results from a C to T substitution at nucleotide position 8561. The threonine at codon 2854 is replaced by isoleucine, an amino acid with similar properties. This amino acid position is conserved. In addition, this alteration is predicted to be tolerated by in silico analysis. Since supporting evidence is limited at this time, the clinical significance of this alteration remains unclear.

NM_001365276.2(TNXB):c.8567C>T (p.Thr2856Ile)

Gene: TNXB (tenascin XB; minus strand). Cytogenetic location: 6p21.33.
Variant type: single nucleotide variant.
Coding change: c.8567C>T on transcript NM_001365276.2 (MANE Select); coding-DNA position 8567, C replaced by T.
Protein change: p.Thr2856Ile; replaces threonine 2856 with isoleucine.
Molecular consequence: missense variant.
Genome position (GRCh38, 1-based): chr6:32,053,612, G>A on the plus strand (C>T on the coding strand, the complement: TNXB is on the minus strand). VCF-style: chr6-32053612-G-A. GRCh37 (hg19) VCF-style: chr6-32021389-G-A.
Other names: c.8561C>T, p.Thr2854Ile (NM_019105.8); short protein forms T2854I, T2856I.
Identifiers: ClinVar variation 2565730 (VCV002565730.3), dbSNP rs1415732912, ClinGen allele CA363547221.